The following is an entry in ClinVar:

NM_000051.4(ATM):c.8786+2T>C

Genes: ATM (ATM serine/threonine kinase; plus strand), C11orf65 (chromosome 11 open reading frame 65; minus strand). Cytogenetic location: 11q22.3.
Variant type: single nucleotide variant.
Coding change: c.8786+2T>C on transcript NM_000051.4 (MANE Select); the canonical splice donor site of the intron after coding-DNA position 8786, T replaced by C.
Molecular consequence: splice donor variant. On other transcripts: intron variant (2).
Genome position (GRCh38, 1-based): chr11:108,353,882, T>C. VCF-style: chr11-108353882-T-C. GRCh37 (hg19) VCF-style: chr11-108224609-T-C.
Other names: c.8786+2T>C (NM_001351834.2); c.640+32038A>G (NM_001330368.2); c.695-18590A>G (NM_001351110.2).
Identifiers: ClinVar variation 941781 (VCV000941781.10), dbSNP rs1555142918, ClinGen allele CA382524493.

ClinVar aggregate classification (germline): Pathogenic (1 of 4 stars; one submission).

Conditions:
Ataxia-telangiectasia syndrome (AT). Also called: Ataxia-telangiectasia, complementation group D; AT, COMPLEMENTATION GROUP C; ATAXIA-TELANGIECTASIA, COMPLEMENTATION GROUP A; ATAXIA-TELANGIECTASIA, FRESNO VARIANT; Ataxia-telangiectasia; Ataxia telangiectasia (A-T). Identifiers: Orphanet 100, MedGen C0004135, MONDO:0008840, OMIM 208900.

Allele frequency attached by ClinVar (database versions not stated): gnomAD exomes below 0.00001.
gnomAD v4.1: 1 of 1,607,832 alleles (0.000062%); highest among the groups gnomAD compares: Non-Finnish European, 0.000085%; no homozygotes.

Submission:

Labcorp Genetics (formerly Invitae), Labcorp
Classification: Pathogenic for Ataxia-telangiectasia syndrome. Last evaluated: 2019-10-18. Review status: criteria provided, single submitter. Criteria: Invitae Variant Classification Sherloc (09022015). Collection method: clinical testing. Allele origin: germline.
Comment: Disruption of this splice site has been observed with a second ATM variant in individuals with clinical features of ataxia-telangiectasia (PMID: 10330348, 10980530, 21459046, 21792198). Algorithms developed to predict the effect of sequence changes on RNA splicing suggest that this variant may disrupt the consensus splice site, but this prediction has not been confirmed by published transcriptional studies. Donor and acceptor splice site variants typically lead to a loss of protein function (PMID: 16199547), and loss-of-function variants in ATM are known to be pathogenic (PMID: 23807571, 25614872). For these reasons, this variant has been classified as Pathogenic. This sequence change affects a donor splice site in intron 60 of the ATM gene. It is expected to disrupt RNA splicing and likely results in an absent or disrupted protein product. This variant is not present in population databases (ExAC no frequency).

Literature cited by the submitters: PubMed 10330348; PubMed 10980530; PubMed 21459046; PubMed 21792198; PubMed 16199547; PubMed 23807571; PubMed 25614872.